The following is an entry in ClinVar:

ClinVar aggregate classification (germline): Likely benign. Review status: criteria provided, multiple submitters, no conflicts (2 of 4 stars). 2 submissions from 2 submitters: Likely benign (2). Last evaluated 2026-01-25.

Conditions:
Vanishing white matter disease. Also called: CACH syndrome; Childhood ataxia with diffuse central nervous system hypomyelination; Leukoencephalopathy with vanishing white matter; CACH/VWM syndrome; Cree leukoencehalopathy. Identifiers: Orphanet 135, Orphanet 99853, MedGen C1858991, MONDO:0800448.

Allele frequency attached by ClinVar (database versions not stated): gnomAD below 0.00001 and 0.00005; ESP Exome Variant Server 0.00008; gnomAD exomes 0.00019 and 0.00044; 1000 Genomes Project 30x 0.00031; 1000 Genomes Project 0.00040; ExAC 0.00054.
gnomAD v4.1: 293 of 1,613,996 alleles (0.018%); highest among the groups gnomAD compares: South Asian, 0.3%; 1 homozygote.

Submissions (2):

Labcorp Genetics (formerly Invitae), Labcorp
Classification: Likely benign. Last evaluated: 2026-01-25. Review status: criteria provided, single submitter. Criteria: Invitae Variant Classification Sherloc (09022015). Collection method: clinical testing. Allele origin: germline.

Illumina Laboratory Services, Illumina
Classification: Likely benign for Leukoencephalopathy with vanishing white matter 1. Last evaluated: 2018-01-12. Review status: criteria provided, single submitter. Criteria: ICSL Variant Classification Criteria 13 December 2019. Collection method: clinical testing. Allele origin: germline.
Comment: This variant was observed in the ICSL laboratory as part of a predisposition screen in an ostensibly healthy population. It had not been previously curated by ICSL or reported in the Human Gene Mutation Database (HGMD: prior to June 1st, 2018), and was therefore a candidate for classification through an automated scoring system. Utilizing variant allele frequency, disease prevalence and penetrance estimates, and inheritance mode, an automated score was calculated to assess if this variant is too frequent to cause the disease. Based on the score and internal cut-off values, a variant classified as likely benign is not then subjected to further curation. The score for this variant resulted in a classification of likely benign for this disease.

NM_001034116.2(EIF2B4):c.791C>A (p.Thr264Asn)

Genes: GTF3C2-AS2 (GTF3C2 antisense RNA 2; plus strand), EIF2B4 (eukaryotic translation initiation factor 2B subunit delta; minus strand). Cytogenetic location: 2p23.3.
Variant type: single nucleotide variant.
Coding change: c.791C>A on transcript NM_001034116.2 (MANE Select); coding-DNA position 791, C replaced by A.
Protein change: p.Thr264Asn; replaces threonine 264 with asparagine.
Molecular consequence: missense variant.
Genome position (GRCh38, 1-based): chr2:27,367,551, G>T on the plus strand (C>A on the coding strand, the complement: EIF2B4 is on the minus strand). VCF-style: chr2-27367551-G-T. GRCh37 (hg19) VCF-style: chr2-27590418-G-T.
Other names: c.854C>A, p.Thr285Asn (NM_001318965.2); c.746C>A, p.Thr249Asn (NM_001318966.2); c.698C>A, p.Thr233Asn (NM_001318967.2); c.206C>A, p.Thr69Asn (NM_001318968.2); c.173C>A, p.Thr58Asn (NM_001318969.2); c.788C>A, p.Thr263Asn (NM_015636.4); c.851C>A, p.Thr284Asn (NM_172195.4); short protein forms T263N, T284N, T249N, T285N, T233N, T264N, T58N, T69N.
Identifiers: ClinVar variation 897413 (VCV000897413.11), dbSNP rs143926434, ClinGen allele CA1576768.